The following is an entry in ClinVar:

ClinVar aggregate classification (germline): Pathogenic/Likely pathogenic. Review status: criteria provided, multiple submitters, no conflicts (2 of 4 stars). 2 submissions from 2 submitters: Pathogenic (1); Likely pathogenic (1). Last evaluated 2025-09-10.

Conditions:
Familial dysautonomia. Also called: HSAN III; FD. Identifiers: Orphanet 1764, MedGen C0013364, MONDO:0009131, OMIM 223900. Disease mechanism: loss of function.

Allele frequency attached by ClinVar (database versions not stated): TOPMed below 0.00001.

Submissions (2):

Natera, Inc.
Classification: Likely pathogenic for Familial dysautonomia. Last evaluated: 2025-09-10. Review status: criteria provided, single submitter. Criteria: Natera Variant Classification Schema (03/2026). Collection method: clinical testing. Allele origin: germline.
Comment: The c.609_610dupTG variant in ELP1 is a frameshift variant predicted to shift the reading frame beginning at codon 204 and leads to a stop codon 7 codons downstream. This variant is expected to result in nonsense mediated decay, truncation, or a dysfunctional protein product. This variant is rare in the general population with a frequency below the threshold expected for the associated phenotype(s). Given the available evidence, this variant is classified as Likely Pathogenic.

Labcorp Genetics (formerly Invitae), Labcorp
Classification: Pathogenic. Last evaluated: 2022-07-10. Review status: criteria provided, single submitter. Criteria: Invitae Variant Classification Sherloc (09022015). Collection method: clinical testing. Allele origin: germline.
Comment: For these reasons, this variant has been classified as Pathogenic. This variant has not been reported in the literature in individuals affected with ELP1-related conditions. This variant is not present in population databases (gnomAD no frequency). This sequence change creates a premature translational stop signal (p.Gly204Valfs*7) in the ELP1 gene. It is expected to result in an absent or disrupted protein product. Loss-of-function variants in ELP1 are known to be pathogenic (PMID: 18303054, 24173031).

Literature cited by the submitters: PubMed 18303054 (cited by Labcorp Genetics (formerly Invitae), Labcorp); PubMed 24173031 (cited by Labcorp Genetics (formerly Invitae), Labcorp).

NM_003640.5(ELP1):c.609_610dup (p.Gly204fs)

Gene: ELP1 (elongator acetyltransferase complex subunit 1; minus strand). Cytogenetic location: 9q31.3.
Variant type: Duplication.
Coding change: c.609_610dup on transcript NM_003640.5 (MANE Select); coding-DNA positions 609 to 610, 2 bases duplicated (TG; older notation c.609_610dupTG).
Protein change: p.Gly204fs; shifts the reading frame from glycine 204.
Molecular consequence: frameshift variant. On other transcripts: intron variant (1).
Genome position (GRCh38, 1-based): chr9:108,919,292-108,919,293, CA duplicated on the plus strand (TG on the coding strand, the reverse complement: ELP1 is on the minus strand). VCF-style (leftmost placement, unchanged base first): chr9-108919291-C-CCA. GRCh37 (hg19) VCF-style: chr9-111681571-C-CCA.
Other names: c.267_268dup, p.Gly90fs (NM_001318360.2); c.-307-1623_-307-1622dup (NM_001330749.2); c.609_610dupTG (NM_003640.4); short protein forms G204fs, G90fs.
Identifiers: ClinVar variation 2015719 (VCV002015719.5), dbSNP rs1829558552, ClinGen allele CA1871346659.